The following is an entry in ClinVar:

ClinVar aggregate classification (germline): Benign. Review status: criteria provided, multiple submitters, no conflicts (2 of 4 stars). 2 submissions from 2 submitters: Benign (2). Last evaluated 2018-01-12.

Conditions:
Vitamin K-dependent clotting factors, combined deficiency of, type 1. Also called: FACTORS II, VII, IX, AND X, COMBINED DEFICIENCY OF; FAMILIAL MULTIPLE COAGULATION FACTOR DEFICIENCY III; FMFD III; GLUTAMIC ACID, DEFICIENT GAMMA-CARBOXYLATION OF; MULTIPLE COAGULATION FACTOR DEFICIENCY III; VITAMIN K-DEPENDENT COAGULATION DEFECT. Identifiers: Orphanet 98434, MedGen C1848534, MONDO:0010187, OMIM 277450.

Allele frequency attached by ClinVar (database versions not stated): gnomAD exomes 0.46203; 1000 Genomes Project 0.49361; 1000 Genomes Project 30x 0.49672; gnomAD 0.51464 and 0.52251; TOPMed 0.51821.
gnomAD v4.1: 78,216 of 152,128 alleles (51%); highest among the groups gnomAD compares: African/African-American, 69%; 21,099 homozygotes.

Submissions (2):

Illumina Laboratory Services, Illumina
Classification: Benign for Vitamin K-dependent clotting factors, combined deficiency of, type 1. Last evaluated: 2018-01-12. Review status: criteria provided, single submitter. Criteria: ICSL Variant Classification Criteria 13 December 2019. Collection method: clinical testing. Allele origin: germline.
Comment: This variant was observed in the ICSL laboratory as part of a predisposition screen in an ostensibly healthy population. It had not been previously curated by ICSL or reported in the Human Gene Mutation Database (HGMD: prior to June 1st, 2018), and was therefore a candidate for classification through an automated scoring system. Utilizing variant allele frequency, disease prevalence and penetrance estimates, and inheritance mode, an automated score was calculated to assess if this variant is too frequent to cause the disease. Based on the score and internal cut-off values, a variant classified as benign is not then subjected to further curation. The score for this variant resulted in a classification of benign for this disease.

Breakthrough Genomics
Classification: Benign. Review status: criteria provided, single submitter. Criteria: ACMG Guidelines, 2015. Collection method: not provided. Allele origin: germline. Inheritance: Autosomal recessive inheritance. Affected: yes.

NM_000821.7(GGCX):c.*4509G>A

Gene: GGCX (gamma-glutamyl carboxylase; minus strand). Cytogenetic location: 2p11.2.
Variant type: single nucleotide variant.
Coding change: c.*4509G>A on transcript NM_000821.7 (MANE Select); 4509 bases downstream of the stop codon, G replaced by A.
Molecular consequence: 3 prime UTR variant.
Genome position (GRCh38, 1-based): chr2:85,545,425, C>T on the plus strand (G>A on the coding strand, the complement: GGCX is on the minus strand). VCF-style: chr2-85545425-C-T. GRCh37 (hg19) VCF-style: chr2-85772548-C-T.
Other names: c.*4509G>A (NM_001142269.4).
Identifiers: ClinVar variation 337179 (VCV000337179.6), dbSNP rs7605975, ClinGen allele CA10614018.